The following is an entry in ClinVar:

ClinVar aggregate classification (germline): Uncertain significance. Review status: criteria provided, multiple submitters, no conflicts (2 of 4 stars). 3 submissions from 3 submitters: Uncertain significance (3). Last evaluated 2025-08-13.

Conditions:
Hereditary cancer-predisposing syndrome. Also called: Hereditary neoplastic syndrome; Neoplastic Syndromes, Hereditary; Tumor predisposition; Hereditary Cancer Syndrome. Identifiers: Orphanet 140162, MedGen C0027672, MeSH D009386, MONDO:0015356.
Familial adenomatous polyposis 1 (FAP1). Also called: FAMILIAL ADENOMATOUS POLYPOSIS 1, ATTENUATED; POLYPOSIS, ADENOMATOUS INTESTINAL. Identifiers: MedGen C2713442, MONDO:0021056, OMIM 175100. Disease mechanism: loss of function.

Submissions (3):

Ambry Genetics
Classification: Uncertain significance for Hereditary cancer-predisposing syndrome. Last evaluated: 2025-08-13. Review status: criteria provided, single submitter. Criteria: Ambry Variant Classification Scheme 2023. Collection method: clinical testing. Allele origin: germline.
Comment: The p.A1582V variant (also known as c.4745C>T), located in coding exon 15 of the APC gene, results from a C to T substitution at nucleotide position 4745. The alanine at codon 1582 is replaced by valine, an amino acid with similar properties. This amino acid position is conserved. In addition, in silico predictors for this gene do not accurately predict pathogenicity. Based on the available evidence, the clinical significance of this variant remains unclear.

Quest Diagnostics Nichols Institute San Juan Capistrano
Classification: Uncertain significance. Last evaluated: 2024-11-15. Review status: criteria provided, single submitter. Criteria: Quest Diagnostics criteria. Collection method: clinical testing. Allele origin: unknown.
Comment: The APC c.4745C>T (p.Ala1582Val) variant has not been reported in individuals with APC-related conditions in the published literature. It also has not been reported in large, multi-ethnic general populations (Genome Aggregation Database). Analysis of this variant using bioinformatics tools for the prediction of the effect of amino acid changes on protein structure and function yielded predictions that this variant is damaging. Based on the available information, we are unable to determine the clinical significance of this variant.

Labcorp Genetics (formerly Invitae), Labcorp
Classification: Uncertain significance for Familial adenomatous polyposis 1. Last evaluated: 2023-12-04. Review status: criteria provided, single submitter. Criteria: Invitae Variant Classification Sherloc (09022015). Collection method: clinical testing. Allele origin: germline.
Comment: This sequence change replaces alanine, which is neutral and non-polar, with valine, which is neutral and non-polar, at codon 1582 of the APC protein (p.Ala1582Val). This variant is not present in population databases (gnomAD no frequency). This variant has not been reported in the literature in individuals affected with APC-related conditions. ClinVar contains an entry for this variant (Variation ID: 1003903). Advanced modeling of protein sequence and biophysical properties (such as structural, functional, and spatial information, amino acid conservation, physicochemical variation, residue mobility, and thermodynamic stability) has been performed at Invitae for this missense variant, however the output from this modeling did not meet the statistical confidence thresholds required to predict the impact of this variant on APC protein function. In summary, the available evidence is currently insufficient to determine the role of this variant in disease. Therefore, it has been classified as a Variant of Uncertain Significance.

NM_000038.6(APC):c.4745C>T (p.Ala1582Val)

Gene: APC (APC regulator of Wnt signaling pathway; plus strand). Cytogenetic location: 5q22.2.
Variant type: single nucleotide variant.
Coding change: c.4745C>T on transcript NM_000038.6 (MANE Select); coding-DNA position 4745, C replaced by T.
Protein change: p.Ala1582Val; replaces alanine 1582 with valine.
Molecular consequence: missense variant.
Genome position (GRCh38, 1-based): chr5:112,840,339, C>T. VCF-style: chr5-112840339-C-T. GRCh37 (hg19) VCF-style: chr5-112176036-C-T.
Other names: c.4745C>T (NM_000038.5); c.4745C>T, p.Ala1582Val (NM_001127510.3, NM_001354895.2); c.4691C>T, p.Ala1564Val (NM_001127511.3); c.4799C>T, p.Ala1600Val (NM_001354896.2); c.4775C>T, p.Ala1592Val (NM_001354897.2); c.4670C>T, p.Ala1557Val (NM_001354898.2); c.4661C>T, p.Ala1554Val (NM_001354899.2); c.4622C>T, p.Ala1541Val (NM_001354900.2); and 6 more; short protein forms A1299V, A1422V, A1456V, A1481V, A1491V, A1523V, A1541V, A1554V.
Identifiers: ClinVar variation 1003903 (VCV001003903.50), dbSNP rs1765757585, ClinGen allele CA16031739.